The following is an entry in ClinVar:

ClinVar aggregate classification (germline): Conflicting classifications of pathogenicity. Review status: criteria provided, conflicting classifications (1 of 4 stars). 2 submissions from 2 submitters: Uncertain significance (1); Likely benign (1). Last evaluated 2018-01-13.

Conditions:
Microcephaly, seizures, and developmental delay. Identifiers: Orphanet 1934, MedGen C3150667, MONDO:0013254, OMIM 613402.

Allele frequency attached by ClinVar (database versions not stated): gnomAD 0.00019 and 0.00021; 1000 Genomes Project 0.00040; TOPMed 0.00021; 1000 Genomes Project 30x 0.00047; gnomAD exomes 0.00020.
gnomAD v4.1: 102 of 489,848 alleles (0.021%); highest among the groups gnomAD compares: Middle Eastern, 0.34%; 1 homozygote.

Submissions (2):

Illumina Laboratory Services, Illumina
Classification: Uncertain significance for Microcephaly, seizures, and developmental delay. Last evaluated: 2018-01-13. Review status: criteria provided, single submitter. Criteria: ICSL Variant Classification Criteria 13 December 2019. Collection method: clinical testing. Allele origin: germline.

GeneDx
Classification: Likely benign. Last evaluated: 2016-11-01. Review status: criteria provided, single submitter. Criteria: GeneDx Variant Classification (06012015). Collection method: clinical testing. Allele origin: germline. Affected: yes.
Comment: This variant is considered likely benign or benign based on one or more of the following criteria: it is a conservative change, it occurs at a poorly conserved position in the protein, it is predicted to be benign by multiple in silico algorithms, and/or has population frequency not consistent with disease.

NM_007254.4(PNKP):c.-35T>C

Gene: PNKP (polynucleotide kinase 3'-phosphatase; minus strand). Cytogenetic location: 19q13.33.
Variant type: single nucleotide variant.
Coding change: c.-35T>C on transcript NM_007254.4 (MANE Select); 35 bases upstream of the start codon, T replaced by C.
Molecular consequence: 5 prime UTR variant.
Genome position (GRCh38, 1-based): chr19:49,867,490, A>G on the plus strand (T>C on the coding strand, the complement: PNKP is on the minus strand). VCF-style: chr19-49867490-A-G. GRCh37 (hg19) VCF-style: chr19-50370747-A-G.
Identifiers: ClinVar variation 206372 (VCV000206372.5), dbSNP rs550311179, ClinGen allele CA316431.